The following is an entry in ClinVar:

ClinVar aggregate classification (germline): Uncertain significance. Review status: criteria provided, multiple submitters, no conflicts (2 of 4 stars). 2 submissions from 2 submitters: Uncertain significance (2). Last evaluated 2024-08-22.

Conditions:
Hereditary cancer-predisposing syndrome. Also called: Neoplastic Syndromes, Hereditary; Tumor predisposition; Hereditary neoplastic syndrome; Hereditary Cancer Syndrome. Identifiers: Orphanet 140162, MedGen C0027672, MeSH D009386, MONDO:0015356.
Multiple endocrine neoplasia, type 2 (MEN2). Identifiers: Orphanet 653, MedGen C4048306, MONDO:0019003. Disease mechanism: gain of function.

Allele frequency attached by ClinVar (database versions not stated): gnomAD exomes below 0.00001; TOPMed below 0.00001.
gnomAD v4.1: 1 of 1,611,494 alleles (0.000062%); highest among the groups gnomAD compares: African/African-American, 0.0013%; no homozygotes.

Submissions (2):

Ambry Genetics
Classification: Uncertain significance for Hereditary cancer-predisposing syndrome. Last evaluated: 2024-08-22. Review status: criteria provided, single submitter. Criteria: Ambry Variant Classification Scheme 2023. Collection method: clinical testing. Allele origin: germline.
Comment: The p.A496T variant (also known as c.1486G>A), located in coding exon 7 of the RET gene, results from a G to A substitution at nucleotide position 1486. The alanine at codon 496 is replaced by threonine, an amino acid with similar properties. This amino acid position is conserved. In addition, this alteration is predicted to be tolerated by in silico analysis. Based on the available evidence, the clinical significance of this variant remains unclear.

Labcorp Genetics (formerly Invitae), Labcorp
Classification: Uncertain significance for Multiple endocrine neoplasia, type 2. Last evaluated: 2024-02-15. Review status: criteria provided, single submitter. Criteria: Invitae Variant Classification Sherloc (09022015). Collection method: clinical testing. Allele origin: germline.
Comment: This sequence change replaces alanine, which is neutral and non-polar, with threonine, which is neutral and polar, at codon 496 of the RET protein (p.Ala496Thr). This variant is not present in population databases (gnomAD no frequency). This variant has not been reported in the literature in individuals affected with RET-related conditions. ClinVar contains an entry for this variant (Variation ID: 1362518). Algorithms developed to predict the effect of missense changes on protein structure and function output the following: SIFT: "Not Available"; PolyPhen-2: "Benign"; Align-GVGD: "Not Available". The threonine amino acid residue is found in multiple mammalian species, which suggests that this missense change does not adversely affect protein function. In summary, the available evidence is currently insufficient to determine the role of this variant in disease. Therefore, it has been classified as a Variant of Uncertain Significance.

NM_020975.6(RET):c.1486G>A (p.Ala496Thr)

Gene: RET (ret proto-oncogene; plus strand). Cytogenetic location: 10q11.21.
Variant type: single nucleotide variant.
Coding change: c.1486G>A on transcript NM_020975.6 (MANE Select); coding-DNA position 1486, G replaced by A.
Protein change: p.Ala496Thr; replaces alanine 496 with threonine.
Molecular consequence: missense variant.
Genome position (GRCh38, 1-based): chr10:43,111,429, G>A. VCF-style: chr10-43111429-G-A. GRCh37 (hg19) VCF-style: chr10-43606877-G-A.
Other names: c.1486G>A, p.Ala496Thr (NM_000323.2, NM_001406743.1, NM_001406744.1 and 6 more transcripts); c.724G>A, p.Ala242Thr (NM_001355216.2); c.1357G>A, p.Ala453Thr (NM_001406761.1, NM_001406762.1, NM_001406764.1 and 1 more transcripts); c.1198G>A, p.Ala400Thr (NM_001406766.1, NM_001406767.1, NM_001406770.1); c.1090G>A, p.Ala364Thr (NM_001406769.1, NM_001406772.1); c.1048G>A, p.Ala350Thr (NM_001406771.1, NM_001406773.1); c.961G>A, p.Ala321Thr (NM_001406774.1); c.760G>A, p.Ala254Thr (NM_001406775.1, NM_001406776.1, NM_001406777.1 and 1 more transcripts); and 1 more; short protein forms A242T, A496T, A166T, A350T, A254T, A400T, A453T, A321T.
Identifiers: ClinVar variation 1362518 (VCV001362518.8), dbSNP rs1172578380, ClinGen allele CA376549897.